The following is an entry in ClinVar:

ClinVar aggregate classification (germline): Uncertain significance. Review status: criteria provided, multiple submitters, no conflicts (2 of 4 stars). 2 submissions from 2 submitters: Uncertain significance (2). Last evaluated 2025-05-30.

Conditions:
DICER1-related tumor predisposition. Also called: DICER1 syndrome; DICER1-related pleuropulmonary blastoma cancer predisposition syndrome. Identifiers: Orphanet 284343, MedGen C3839822, MONDO:0100216.
Hereditary cancer-predisposing syndrome. Also called: Neoplastic Syndromes, Hereditary; Tumor predisposition; Hereditary Cancer Syndrome; Hereditary neoplastic syndrome. Identifiers: Orphanet 140162, MedGen C0027672, MeSH D009386, MONDO:0015356.

Submissions (2):

Labcorp Genetics (formerly Invitae), Labcorp
Classification: Uncertain significance for DICER1-related tumor predisposition. Last evaluated: 2025-05-30. Review status: criteria provided, single submitter. Criteria: Invitae Variant Classification Sherloc (09022015). Collection method: clinical testing. Allele origin: germline.
Comment: This sequence change replaces isoleucine, which is neutral and non-polar, with valine, which is neutral and non-polar, at codon 1175 of the DICER1 protein (p.Ile1175Val). This variant is not present in population databases (gnomAD no frequency). This variant has not been reported in the literature in individuals affected with DICER1-related conditions. ClinVar contains an entry for this variant (Variation ID: 1732285). Invitae Evidence Modeling of protein sequence and biophysical properties (such as structural, functional, and spatial information, amino acid conservation, physicochemical variation, residue mobility, and thermodynamic stability) indicates that this missense variant is not expected to disrupt DICER1 protein function with a negative predictive value of 95%. In summary, the available evidence is currently insufficient to determine the role of this variant in disease. Therefore, it has been classified as a Variant of Uncertain Significance.

Ambry Genetics
Classification: Uncertain significance for Hereditary cancer-predisposing syndrome. Last evaluated: 2020-03-10. Review status: criteria provided, single submitter. Criteria: Ambry Variant Classification Scheme 2023. Collection method: clinical testing. Allele origin: germline.
Comment: The p.I1175V variant (also known as c.3523A>G), located in coding exon 20 of the DICER1 gene, results from an A to G substitution at nucleotide position 3523. The isoleucine at codon 1175 is replaced by valine, an amino acid with highly similar properties. This amino acid position is not well conserved in available vertebrate species. In addition, this alteration is predicted to be tolerated by in silico analysis. Since supporting evidence is limited at this time, the clinical significance of this alteration remains unclear.

NM_177438.3(DICER1):c.3523A>G (p.Ile1175Val)

Gene: DICER1 (dicer 1, ribonuclease III; minus strand). Cytogenetic location: 14q32.13.
Variant type: single nucleotide variant.
Coding change: c.3523A>G on transcript NM_177438.3 (MANE Select); coding-DNA position 3523, A replaced by G.
Protein change: p.Ile1175Val; replaces isoleucine 1175 with valine.
Molecular consequence: missense variant. On other transcripts: non-coding transcript variant (6).
Genome position (GRCh38, 1-based): chr14:95,103,873, T>C on the plus strand (A>G on the coding strand, the complement: DICER1 is on the minus strand). VCF-style: chr14-95103873-T-C. GRCh37 (hg19) VCF-style: chr14-95570210-T-C.
Other names: c.3523A>G, p.Ile1175Val (NM_001195573.1, NM_001271282.3, NM_001291628.2 and 13 more transcripts); c.3241A>G, p.Ile1081Val (NM_001395686.1); c.3118A>G, p.Ile1040Val (NM_001395687.1, NM_001395688.1, NM_001395689.1 and 2 more transcripts); c.2956A>G, p.Ile986Val (NM_001395691.1); c.1840A>G, p.Ile614Val (NM_001395697.1); short protein forms I1081V, I1175V, I614V, I986V, I1040V.
Identifiers: ClinVar variation 1732285 (VCV001732285.3), dbSNP rs2542710281, ClinGen allele CA390875081.